The following is an entry in ClinVar:

NM_015102.5(NPHP4):c.64C>T (p.Arg22Cys)

Gene: NPHP4 (nephrocystin 4; minus strand). Cytogenetic location: 1p36.31.
Variant type: single nucleotide variant.
Coding change: c.64C>T on transcript NM_015102.5 (MANE Select); coding-DNA position 64, C replaced by T.
Protein change: p.Arg22Cys; replaces arginine 22 with cysteine.
Molecular consequence: missense variant. On other transcripts: 5 prime UTR variant (1), non-coding transcript variant (1), intron variant (1).
Genome position (GRCh38, 1-based): chr1:5,986,226, G>A on the plus strand (C>T on the coding strand, the complement: NPHP4 is on the minus strand). VCF-style: chr1-5986226-G-A. GRCh37 (hg19) VCF-style: chr1-6046286-G-A.
Other names: c.64C>T (NM_015102.3); c.-1166C>T (NM_001291593.2); c.-1088+6018C>T (NM_001291594.2); short protein forms R22C.
Identifiers: ClinVar variation 594150 (VCV000594150.13), dbSNP rs773309269, ClinGen allele CA554953.

ClinVar aggregate classification (germline): Uncertain significance. Review status: criteria provided, multiple submitters, no conflicts (2 of 4 stars). 4 submissions from 4 submitters: Uncertain significance (4). Last evaluated 2025-09-09.

Conditions:
Inborn genetic diseases. Identifiers: MedGen C0950123, MeSH D030342.
Nephronophthisis. Also called: Juvenile Nephronophthisis. Identifiers: Orphanet 655, MedGen C0687120, MONDO:0019005, HP:0000090.
Nephronophthisis 4 (NPHP4). Also called: NEPHRONOPHTHISIS 4, JUVENILE. Identifiers: Orphanet 655, MedGen C1847013, MONDO:0011752, OMIM 606966.
Senior-Loken syndrome 4 (SLSN4). Identifiers: Orphanet 3156, MedGen C1846979, MONDO:0011756, OMIM 606996.

Allele frequency attached by ClinVar (database versions not stated): gnomAD exomes 0.00004 and 0.00005; ExAC 0.00005; gnomAD 0.00005; TOPMed 0.00006.
gnomAD v4.1: 81 of 1,613,788 alleles (0.005%); highest among the groups gnomAD compares: Middle Eastern, 0.016%; no homozygotes.

Submissions (4):

Labcorp Genetics (formerly Invitae), Labcorp
Classification: Uncertain significance for Nephronophthisis. Last evaluated: 2025-09-09. Review status: criteria provided, single submitter. Criteria: Invitae Variant Classification Sherloc (09022015). Collection method: clinical testing. Allele origin: germline.
Comment: This sequence change replaces arginine, which is basic and polar, with cysteine, which is neutral and slightly polar, at codon 22 of the NPHP4 protein (p.Arg22Cys). This variant is present in population databases (rs773309269, gnomAD 0.02%). This variant has not been reported in the literature in individuals affected with NPHP4-related conditions. ClinVar contains an entry for this variant (Variation ID: 594150). Invitae Evidence Modeling of protein sequence and biophysical properties (such as structural, functional, and spatial information, amino acid conservation, physicochemical variation, residue mobility, and thermodynamic stability) indicates that this missense variant is expected to disrupt NPHP4 protein function with a positive predictive value of 80%. In summary, the available evidence is currently insufficient to determine the role of this variant in disease. Therefore, it has been classified as a Variant of Uncertain Significance.

Fulgent Genetics
Classification: Uncertain significance for Nephronophthisis 4; Senior-Loken syndrome 4. Last evaluated: 2021-11-15. Review status: criteria provided, single submitter. Criteria: ACMG Guidelines, 2015. Collection method: clinical testing. Allele origin: unknown.

Ambry Genetics
Classification: Uncertain significance for Inborn genetic diseases. Last evaluated: 2021-08-09. Review status: criteria provided, single submitter. Criteria: Ambry Variant Classification Scheme 2023. Collection method: clinical testing. Allele origin: germline.

Eurofins Ntd Llc (ga)
Classification: Uncertain significance. Last evaluated: 2017-09-19. Review status: criteria provided, single submitter. Criteria: EGL Classification Definitions 2015. Collection method: clinical testing. Allele origin: germline. Observed: 1 variant allele, 1 heterozygote.